The following is an entry in ClinVar:

NM_016107.5(ZFR):c.2563T>G (p.Ser855Ala)

Gene: ZFR (zinc finger RNA binding protein; minus strand). Cytogenetic location: 5p13.3.
Variant type: single nucleotide variant.
Coding change: c.2563T>G on transcript NM_016107.5 (MANE Select); coding-DNA position 2563, T replaced by G.
Protein change: p.Ser855Ala; replaces serine 855 with alanine.
Molecular consequence: missense variant. On other transcripts: non-coding transcript variant (1).
Genome position (GRCh38, 1-based): chr5:32,385,586, A>C on the plus strand (T>G on the coding strand, the complement: ZFR is on the minus strand). VCF-style: chr5-32385586-A-C. GRCh37 (hg19) VCF-style: chr5-32385692-A-C.
Other names: short protein forms S855A.
Identifiers: ClinVar variation 3193312 (VCV003193312.4), dbSNP rs1375741086, ClinGen allele CA359352539.

ClinVar aggregate classification (germline): Uncertain significance. Review status: criteria provided, multiple submitters, no conflicts (2 of 4 stars). 2 submissions from 2 submitters: Uncertain significance (2). Last evaluated 2025-11-20.

Conditions:
Pure or complex autosomal recessive spastic paraplegia. Identifiers: Orphanet 320346, MedGen C5679887, MONDO:0017915.

Allele frequency attached by ClinVar (database versions not stated): TOPMed 0.00017; gnomAD 0.00005; gnomAD exomes below 0.00001.
gnomAD v4.1: 11 of 1,613,458 alleles (0.00068%); highest among the groups gnomAD compares: Admixed American, 0.015%; no homozygotes.

Submissions (2):

Ambry Genetics
Classification: Uncertain significance. Last evaluated: 2025-11-20. Review status: criteria provided, single submitter. Criteria: Ambry Variant Classification Scheme 2023. Collection method: clinical testing. Allele origin: germline.

Labcorp Genetics (formerly Invitae), Labcorp
Classification: Uncertain significance for Pure or complex autosomal recessive spastic paraplegia. Last evaluated: 2025-08-25. Review status: criteria provided, single submitter. Criteria: Invitae Variant Classification Sherloc (09022015). Collection method: clinical testing. Allele origin: germline.
Comment: This sequence change replaces serine, which is neutral and polar, with alanine, which is neutral and non-polar, at codon 855 of the ZFR protein (p.Ser855Ala). This variant is present in population databases (no rsID available, gnomAD 0.004%). This variant has not been reported in the literature in individuals affected with ZFR-related conditions. ClinVar contains an entry for this variant (Variation ID: 3193312). Experimental studies and prediction algorithms are not available or were not evaluated, and the functional significance of this variant is currently unknown. In summary, the available evidence is currently insufficient to determine the role of this variant in disease. Therefore, it has been classified as a Variant of Uncertain Significance.